The following is an entry in ClinVar:

ClinVar aggregate classification (germline): Uncertain significance. Review status: criteria provided, multiple submitters, no conflicts (2 of 4 stars). 5 submissions from 5 submitters: Uncertain significance (5). Last evaluated 2024-10-18.

Conditions:
Familial thoracic aortic aneurysm and aortic dissection (TAAD). Also called: Thoracic aortic aneurysms and dissections. Identifiers: Orphanet 91387, MedGen C4707243, MONDO:0019625.
Aortic aneurysm, familial thoracic 7 (AAT7). Also called: AORTIC DISSECTION, FAMILIAL, WITH OR WITHOUT AORTIC ANEURYSM. Identifiers: MedGen C3151077, MONDO:0013418, OMIM 613780.
Megacystis-microcolon-intestinal hypoperistalsis syndrome 1. Identifiers: MedGen C5542316, MONDO:0100354, OMIM 249210.

Allele frequency attached by ClinVar (database versions not stated): gnomAD exomes 0.00002 and 0.00004; ExAC 0.00003; TOPMed 0.00003; gnomAD 0.00004 and 0.00005; 1000 Genomes Project 0.00020; 1000 Genomes Project 30x 0.00031.
gnomAD v4.1: 69 of 1,614,038 alleles (0.0043%); highest among the groups gnomAD compares: Non-Finnish European, 0.0056%; no homozygotes.

Submissions (5):

Ambry Genetics
Classification: Uncertain significance for Familial thoracic aortic aneurysm and aortic dissection. Last evaluated: 2024-10-18. Review status: criteria provided, single submitter. Criteria: Ambry Variant Classification Scheme 2023. Collection method: clinical testing. Allele origin: germline.
Comment: The p.Q1094L variant (also known as c.3281A>T), located in coding exon 15 of the MYLK gene, results from an A to T substitution at nucleotide position 3281. The glutamine at codon 1094 is replaced by leucine, an amino acid with dissimilar properties. This amino acid position is conserved. In addition, this alteration is predicted to be tolerated by in silico analysis. Since supporting evidence is limited at this time, the clinical significance of this alteration remains unclear.

GeneDx
Classification: Uncertain significance. Last evaluated: 2023-02-09. Review status: criteria provided, single submitter. Criteria: GeneDx Variant Classification Process June 2021. Collection method: clinical testing. Allele origin: germline. Affected: yes.
Comment: Has not been previously published as pathogenic or benign to our knowledge; Not observed at significant frequency in large population cohorts (gnomAD); In silico analysis supports that this missense variant does not alter protein structure/function

Blueprint Genetics
Classification: Uncertain significance. Last evaluated: 2021-11-18. Review status: criteria provided, single submitter. Criteria: ACMG Guidelines, 2015. Collection method: clinical testing. Allele origin: germline.

Fulgent Genetics
Classification: Uncertain significance for Megacystis-microcolon-intestinal hypoperistalsis syndrome 1; Aortic aneurysm, familial thoracic 7. Last evaluated: 2021-09-23. Review status: criteria provided, single submitter. Criteria: ACMG Guidelines, 2015. Collection method: clinical testing. Allele origin: unknown.

Labcorp Genetics (formerly Invitae), Labcorp
Classification: Uncertain significance for Aortic aneurysm, familial thoracic 7. Last evaluated: 2021-08-26. Review status: criteria provided, single submitter. Criteria: Invitae Variant Classification Sherloc (09022015). Collection method: clinical testing. Allele origin: germline.
Comment: This sequence change replaces glutamine with leucine at codon 1094 of the MYLK protein (p.Gln1094Leu). The glutamine residue is highly conserved and there is a moderate physicochemical difference between glutamine and leucine. This variant is present in population databases (rs530737723, ExAC 0.006%). This variant has not been reported in the literature in individuals affected with MYLK-related conditions. Algorithms developed to predict the effect of missense changes on protein structure and function are either unavailable or do not agree on the potential impact of this missense change (SIFT: "Deleterious"; PolyPhen-2: "Benign"; Align-GVGD: "Class C65"). In summary, the available evidence is currently insufficient to determine the role of this variant in disease. Therefore, it has been classified as a Variant of Uncertain Significance.

NM_053025.4(MYLK):c.3281A>T (p.Gln1094Leu)

Gene: MYLK (myosin light chain kinase; minus strand). Cytogenetic location: 3q21.1.
Variant type: single nucleotide variant.
Coding change: c.3281A>T on transcript NM_053025.4 (MANE Select); coding-DNA position 3281, A replaced by T.
Protein change: p.Gln1094Leu; replaces glutamine 1094 with leucine.
Molecular consequence: missense variant.
Genome position (GRCh38, 1-based): chr3:123,700,187, T>A on the plus strand (A>T on the coding strand, the complement: MYLK is on the minus strand). VCF-style: chr3-123700187-T-A. GRCh37 (hg19) VCF-style: chr3-123419034-T-A.
Other names: c.2753A>T, p.Gln918Leu (NM_001321309.2); c.3074A>T, p.Gln1025Leu (NM_053026.4, NM_053028.4); c.3281A>T, p.Gln1094Leu (NM_053027.4); short protein forms Q1025L, Q1094L, Q918L.
Identifiers: ClinVar variation 1202450 (VCV001202450.12), dbSNP rs530737723, ClinGen allele CA069534.